The following is an entry in ClinVar:

NM_000885.6(ITGA4):c.45C>A (p.Ala15=)

Gene: ITGA4 (integrin subunit alpha 4; plus strand). Cytogenetic location: 2q31.3.
Variant type: single nucleotide variant.
Coding change: c.45C>A on transcript NM_000885.6 (MANE Select); coding-DNA position 45, C replaced by A.
Protein change: p.Ala15=; no amino-acid change (alanine 15 retained).
Molecular consequence: synonymous variant.
Genome position (GRCh38, 1-based): chr2:181,457,699, C>A. VCF-style: chr2-181457699-C-A. GRCh37 (hg19) VCF-style: chr2-182322426-C-A.
Other names: c.45C>A, p.Ala15= (NM_001316312.2).
Identifiers: ClinVar variation 2651732 (VCV002651732.24), dbSNP rs201902294, ClinGen allele CA2009174.

ClinVar aggregate classification (germline): Likely benign (1 of 4 stars; one submission).

Allele frequency attached by ClinVar (database versions not stated): gnomAD 0.00001; ESP Exome Variant Server 0.00008.
gnomAD v4.1: 23 of 1,611,950 alleles (0.0014%); highest among the groups gnomAD compares: Admixed American, 0.0083%; no homozygotes.

Submission:

CeGaT Center for Human Genetics Tuebingen
Classification: Likely benign. Last evaluated: 2022-07-01. Review status: criteria provided, single submitter. Criteria: CeGaT Center For Human Genetics Tuebingen Variant Classification Criteria Version 2. Collection method: clinical testing. Allele origin: germline. Affected: yes. Observed: 1 variant allele.
Comment: ITGA4: BP4, BP7